The following is an entry in ClinVar:

NM_001042492.3(NF1):c.2581G>A (p.Ala861Thr)

Gene: NF1 (neurofibromin 1; plus strand). Cytogenetic location: 17q11.2.
Variant type: single nucleotide variant.
Coding change: c.2581G>A on transcript NM_001042492.3 (MANE Select); coding-DNA position 2581, G replaced by A.
Protein change: p.Ala861Thr; replaces alanine 861 with threonine.
Molecular consequence: missense variant.
Genome position (GRCh38, 1-based): chr17:31,229,196, G>A. VCF-style: chr17-31229196-G-A. GRCh37 (hg19) VCF-style: chr17-29556214-G-A.
Other names: c.2581G>A, p.Ala861Thr (NM_000267.4); short protein forms A861T.
Identifiers: ClinVar variation 457591 (VCV000457591.10), dbSNP rs768425956, ClinGen allele CA289336076.

ClinVar aggregate classification (germline): Conflicting classifications of pathogenicity. Review status: criteria provided, conflicting classifications (1 of 4 stars). 2 submissions from 2 submitters: Uncertain significance (1); Likely benign (1). Last evaluated 2026-07-06.

Conditions:
Hereditary cancer-predisposing syndrome. Also called: Neoplastic Syndromes, Hereditary; Hereditary neoplastic syndrome; Hereditary Cancer Syndrome; Tumor predisposition. Identifiers: Orphanet 140162, MedGen C0027672, MeSH D009386, MONDO:0015356.
Cardiovascular phenotype. Identifiers: MedGen CN230736.
Neurofibromatosis, type 1 (NF1). Also called: VON RECKLINGHAUSEN DISEASE; Neurofibromatosis, type I; Peripheral type neurofibromatosis; NEUROFIBROMATOSIS, TYPE I, SOMATIC. Identifiers: Orphanet 636, MedGen C0027831, MONDO:0018975, OMIM 162200. Disease mechanism: loss of function.

Allele frequency attached by ClinVar (database versions not stated): TOPMed 0.00002.
gnomAD v4.1: 2 of 1,611,970 alleles (0.00012%); highest among the groups gnomAD compares: Non-Finnish European, 0.000085%; no homozygotes.

Submissions (2):

Ambry Genetics
Classification: Likely benign for Cardiovascular phenotype; Hereditary cancer-predisposing syndrome. Last evaluated: 2026-07-06. Review status: criteria provided, single submitter. Criteria: Ambry Variant Classification Scheme 2023. Collection method: clinical testing. Allele origin: germline.

Labcorp Genetics (formerly Invitae), Labcorp
Classification: Uncertain significance for Neurofibromatosis, type 1. Last evaluated: 2024-05-07. Review status: criteria provided, single submitter. Criteria: Invitae Variant Classification Sherloc (09022015). Collection method: clinical testing. Allele origin: germline.
Comment: This sequence change replaces alanine, which is neutral and non-polar, with threonine, which is neutral and polar, at codon 861 of the NF1 protein (p.Ala861Thr). This variant is not present in population databases (gnomAD no frequency). This variant has not been reported in the literature in individuals affected with NF1-related conditions. ClinVar contains an entry for this variant (Variation ID: 457591). Advanced modeling of protein sequence and biophysical properties (such as structural, functional, and spatial information, amino acid conservation, physicochemical variation, residue mobility, and thermodynamic stability) performed at Invitae indicates that this missense variant is not expected to disrupt NF1 protein function with a negative predictive value of 95%. In summary, the available evidence is currently insufficient to determine the role of this variant in disease. Therefore, it has been classified as a Variant of Uncertain Significance.